The following is an entry in ClinVar:

NM_002047.4(GARS1):c.223-166G>A

Gene: GARS1 (glycyl-tRNA synthetase 1; plus strand). Cytogenetic location: 7p14.3.
Variant type: single nucleotide variant.
Coding change: c.223-166G>A on transcript NM_002047.4 (MANE Select); 166 bases into the intron before coding-DNA position 223, G replaced by A.
Molecular consequence: intron variant.
Genome position (GRCh38, 1-based): chr7:30,598,630, G>A. VCF-style: chr7-30598630-G-A. GRCh37 (hg19) VCF-style: chr7-30638246-G-A.
Other names: c.61-166G>A (NM_001316772.1).
Identifiers: ClinVar variation 672541 (VCV000672541.1), dbSNP rs2240501, ClinGen allele CA156098460.
Genomic context (GRCh38, chr7:30,598,630, plus strand): 5'-GTAGCGATGGTGTATCACCATGTTGGCCAGGATGGTCTGAAACTCCTGATCTCAGATGGT[G>A]AGGAGGGCCTTTCAAAGTGCTGGTATTACAGGCGTGAGCCACCACGCTTGGCCTGAATTG-3'

ClinVar aggregate classification (germline): Likely benign (1 of 4 stars; one submission).

Allele frequency attached by ClinVar (database versions not stated): gnomAD 0.01088 and 0.01190; TOPMed 0.01437; 1000 Genomes Project 30x 0.02217; 1000 Genomes Project 0.02356.
gnomAD v4.1: 1,796 of 152,204 alleles (1.2%); highest among the groups gnomAD compares: East Asian, 8%; 41 homozygotes.

Submission:

GeneDx
Classification: Likely benign. Last evaluated: 2018-06-14. Review status: criteria provided, single submitter. Criteria: GeneDx Variant Classification (06012015). Collection method: clinical testing. Allele origin: germline. Affected: yes.
Comment: This variant is considered likely benign or benign based on one or more of the following criteria: it is a conservative change, it occurs at a poorly conserved position in the protein, it is predicted to be benign by multiple in silico algorithms, and/or has population frequency not consistent with disease.